The following is an entry in ClinVar:

ClinVar aggregate classification (germline): Uncertain significance (1 of 4 stars; one submission).

Submission:

Labcorp Genetics (formerly Invitae), Labcorp
Classification: Uncertain significance. Last evaluated: 2022-10-21. Review status: criteria provided, single submitter. Criteria: Invitae Variant Classification Sherloc (09022015). Collection method: clinical testing. Allele origin: germline.
Comment: This sequence change replaces glutamic acid, which is acidic and polar, with glutamine, which is neutral and polar, at codon 1515 of the C3 protein (p.Glu1515Gln). This variant is not present in population databases (gnomAD no frequency). This variant has not been reported in the literature in individuals affected with C3-related conditions. Advanced modeling of protein sequence and biophysical properties (such as structural, functional, and spatial information, amino acid conservation, physicochemical variation, residue mobility, and thermodynamic stability) performed at Invitae indicates that this missense variant is not expected to disrupt C3 protein function. In summary, the available evidence is currently insufficient to determine the role of this variant in disease. Therefore, it has been classified as a Variant of Uncertain Significance.

NM_000064.4(C3):c.4543G>C (p.Glu1515Gln)

Gene: C3 (complement C3; minus strand). Cytogenetic location: 19p13.3.
Variant type: single nucleotide variant.
Coding change: c.4543G>C on transcript NM_000064.4 (MANE Select); coding-DNA position 4543, G replaced by C.
Protein change: p.Glu1515Gln; replaces glutamic acid 1515 with glutamine.
Molecular consequence: missense variant.
Genome position (GRCh38, 1-based): chr19:6,679,410, C>G on the plus strand (G>C on the coding strand, the complement: C3 is on the minus strand). VCF-style: chr19-6679410-C-G. GRCh37 (hg19) VCF-style: chr19-6679421-C-G.
Other names: short protein forms E1515Q.
Identifiers: ClinVar variation 1719060 (VCV001719060.5), dbSNP rs2512226396, ClinGen allele CA403612553.